The following is an entry in ClinVar:

ClinVar aggregate classification (germline): Uncertain significance. Review status: criteria provided, multiple submitters, no conflicts (2 of 4 stars). 2 submissions from 2 submitters: Uncertain significance (2). Last evaluated 2023-08-11.

Conditions:
LZTR1-related schwannomatosis. Also called: Schwannomatosis-2, susceptibility to; Schwannomatosis 2. Identifiers: Orphanet 93921, MedGen C3810283, MONDO:0014299, OMIM 615670.
Cardiovascular phenotype. Identifiers: MedGen CN230736.
Hereditary cancer-predisposing syndrome. Also called: Neoplastic Syndromes, Hereditary; Hereditary Cancer Syndrome; Tumor predisposition; Hereditary neoplastic syndrome. Identifiers: Orphanet 140162, MedGen C0027672, MeSH D009386, MONDO:0015356.

Submissions (2):

Baylor Genetics
Classification: Uncertain significance for LZTR1-related schwannomatosis. Last evaluated: 2023-08-11. Review status: criteria provided, single submitter. Criteria: ACMG Guidelines, 2015. Collection method: clinical testing. Allele origin: unknown.

Ambry Genetics
Classification: Uncertain significance for Cardiovascular phenotype; Hereditary cancer-predisposing syndrome. Last evaluated: 2022-11-06. Review status: criteria provided, single submitter. Criteria: Ambry Variant Classification Scheme 2023. Collection method: clinical testing. Allele origin: germline.
Comment: The p.N410S variant (also known as c.1229A>G), located in coding exon 11 of the LZTR1 gene, results from an A to G substitution at nucleotide position 1229. The asparagine at codon 410 is replaced by serine, an amino acid with highly similar properties. This amino acid position is conserved. In addition, this alteration is predicted to be tolerated by in silico analysis. Since supporting evidence is limited at this time, the clinical significance of this alteration remains unclear.

NM_006767.4(LZTR1):c.1229A>G (p.Asn410Ser)

Gene: LZTR1 (leucine zipper like post translational regulator 1; plus strand). Cytogenetic location: 22q11.21.
Variant type: single nucleotide variant.
Coding change: c.1229A>G on transcript NM_006767.4 (MANE Select); coding-DNA position 1229, A replaced by G.
Protein change: p.Asn410Ser; replaces asparagine 410 with serine.
Molecular consequence: missense variant.
Genome position (GRCh38, 1-based): chr22:20,992,873, A>G. VCF-style: chr22-20992873-A-G. GRCh37 (hg19) VCF-style: chr22-21347162-A-G.
Other names: short protein forms N410S.
Identifiers: ClinVar variation 2447698 (VCV002447698.3), dbSNP rs2518618905, ClinGen allele CA410774005.